The following is an entry in ClinVar:

NM_000092.5(COL4A4):c.2629_2664del (p.Arg877_Gly888del)

Gene: COL4A4 (collagen type IV alpha 4 chain; minus strand). Cytogenetic location: 2q36.3.
Variant type: Deletion.
Coding change: c.2629_2664del on transcript NM_000092.5 (MANE Select); coding-DNA positions 2629 to 2664, 36 bases deleted.
Protein change: p.Arg877_Gly888del.
Molecular consequence: inframe deletion.
Genome position (GRCh38, 1-based): chr2:227,055,997-227,056,032, 36 bases deleted; deleting any 36 consecutive bases within chr2:227,055,997-227,056,041 gives the same sequence; the c. name uses the placement nearest the transcript's 3' end. GRCh37 (hg19): chr2:227,920,722-227,920,757.
Identifiers: ClinVar variation 1678580 (VCV001678580.3), dbSNP rs2150234491, ClinGen allele CA915940414.

ClinVar aggregate classification (germline): Likely pathogenic. Review status: criteria provided, multiple submitters, no conflicts (2 of 4 stars). 2 submissions from 2 submitters: Likely pathogenic (2). Last evaluated 2023-12-31.

Conditions:
Autosomal recessive Alport syndrome (ATS2). Also called: COL4A4 Alport Syndrome and Thin Basement Membrane Nephropathy; ALPORT SYNDROME 2, AUTOSOMAL RECESSIVE; Alport syndrome type 2; COL4A3-Related Nephropathy. Identifiers: Orphanet 63, Orphanet 88919, MedGen C4746745, MONDO:0008762, OMIM 203780.
Hematuria, benign familial, 1 (BFH1). Also called: THIN MEMBRANE NEPHROPATHY. Identifiers: MedGen CN376803, MONDO:0007709, OMIM 141200.

Submissions (2):

Fulgent Genetics
Classification: Likely pathogenic for Hematuria, benign familial, 1; Autosomal recessive Alport syndrome. Last evaluated: 2023-12-31. Review status: criteria provided, single submitter. Criteria: ACMG Guidelines, 2015. Collection method: clinical testing. Allele origin: germline.

Molecular Genetics, Royal Melbourne Hospital
Classification: Likely pathogenic for Autosomal recessive Alport syndrome. Last evaluated: 2023-03-30. Review status: criteria provided, single submitter. Criteria: ACMG Guidelines, 2015. Collection method: clinical testing. Allele origin: germline. Affected: yes.
Comment: This sequence change is an in-frame deletion of 36 bp predicted to cause the deletion of 12 amino acids from position 877 to 888 of the COL4A4 protein (p.Arg877_Gly888del). The deletion is in a non-repeat region, which leads to the removal of four highly conserved glycines (100 vertebrates, UCSC) in Gly-X-Y repeats from the collagen triple helical region of the protein (Uniprot - PM1, PM4). The variant is absent in a large population cohort (gnomAD v2.1, in a region of sufficient coverage - PM2). The variant has not been reported previously in the relevant medical literature or databases. Based on the classification scheme RMH ACMG Guidelines v1.1.1, this variant is classified as LIKELY PATHOGENIC. Following criteria are met: PM1, PM2, PM4.